The following is an entry in ClinVar:

ClinVar aggregate classification (germline): Likely benign (1 of 4 stars; one submission).

Allele frequency attached by ClinVar (database versions not stated): 1000 Genomes Project 30x 0.00156; 1000 Genomes Project 0.00160; TOPMed 0.00345; gnomAD 0.00379; ESP Exome Variant Server 0.00431; ExAC 0.00444; gnomAD exomes 0.00453.
gnomAD v4.1: 7,183 of 1,614,090 alleles (0.45%); highest among the groups gnomAD compares: Middle Eastern, 1.8%; 22 homozygotes.

Submission:

CeGaT Center for Human Genetics Tuebingen
Classification: Likely benign. Last evaluated: 2023-05-01. Review status: criteria provided, single submitter. Criteria: CeGaT Center For Human Genetics Tuebingen Variant Classification Criteria Version 2. Collection method: clinical testing. Allele origin: germline. Affected: yes. Observed: 1 variant allele.
Comment: S100A7: BP4, BS2

NM_002963.4(S100A7):c.55A>C (p.Lys19Gln)

Gene: S100A7 (S100 calcium binding protein A7; minus strand). Cytogenetic location: 1q21.3.
Variant type: single nucleotide variant.
Coding change: c.55A>C on transcript NM_002963.4 (MANE Select); coding-DNA position 55, A replaced by C.
Protein change: p.Lys19Gln; replaces lysine 19 with glutamine.
Molecular consequence: missense variant.
Genome position (GRCh38, 1-based): chr1:153,458,959, T>G on the plus strand (A>C on the coding strand, the complement: S100A7 is on the minus strand). VCF-style: chr1-153458959-T-G. GRCh37 (hg19) VCF-style: chr1-153431435-T-G.
Other names: short protein forms K19Q.
Identifiers: ClinVar variation 2639348 (VCV002639348.24), dbSNP rs72708760, ClinGen allele CA1115899.